The following is an entry in ClinVar:

NM_001080414.4(CCDC88C):c.5951G>A (p.Arg1984Gln)

Gene: CCDC88C (coiled-coil and HOOK domain protein 88C; minus strand). Cytogenetic location: 14q32.11.
Variant type: single nucleotide variant.
Coding change: c.5951G>A on transcript NM_001080414.4 (MANE Select); coding-DNA position 5951, G replaced by A.
Protein change: p.Arg1984Gln; replaces arginine 1984 with glutamine.
Molecular consequence: missense variant.
Genome position (GRCh38, 1-based): chr14:91,272,761, C>T on the plus strand (G>A on the coding strand, the complement: CCDC88C is on the minus strand). VCF-style: chr14-91272761-C-T. GRCh37 (hg19) VCF-style: chr14-91739105-C-T.
Other names: short protein forms R1984Q.
Identifiers: ClinVar variation 377273 (VCV000377273.16), dbSNP rs61745465, ClinGen allele CA7308552.

ClinVar aggregate classification (germline): Benign/Likely benign. Review status: criteria provided, multiple submitters, no conflicts (2 of 4 stars). 6 submissions from 6 submitters: Benign (1); Likely benign (4). 1 of the submissions does not count toward it. Last evaluated 2026-02-04.

Conditions:
CCDC88C-related disorder. Also called: CCDC88C-related condition; CCDC88C-Related Disorders.
Spinocerebellar ataxia type 40. Identifiers: Orphanet 423275, MedGen C4518336, MONDO:0014475, OMIM 616053.
Hydrocephalus, nonsyndromic, autosomal recessive 1 (HYC1). Also called: Hydrocephalus, nonsyndromic, autosomal recessive; Congenital hydrocephalus 1. Identifiers: Orphanet 2185, MedGen C3887608, MONDO:0009360, OMIM 236600.

Allele frequency attached by ClinVar (database versions not stated): gnomAD exomes 0.00141; ExAC 0.00180; gnomAD 0.00423 and 0.00451; ESP Exome Variant Server 0.00427; TOPMed 0.00475; 1000 Genomes Project 0.00539; 1000 Genomes Project 30x 0.00640.
gnomAD v4.1: 1,484 of 1,608,020 alleles (0.092%); highest among the groups gnomAD compares: African/African-American, 1.5%; 12 homozygotes.

Submissions (6):

Labcorp Genetics (formerly Invitae), Labcorp
Classification: Benign. Last evaluated: 2026-02-04. Review status: criteria provided, single submitter. Criteria: Invitae Variant Classification Sherloc (09022015). Collection method: clinical testing. Allele origin: germline.

Fulgent Genetics
Classification: Likely benign for Hydrocephalus, nonsyndromic, autosomal recessive 1; Spinocerebellar ataxia type 40. Last evaluated: 2021-10-13. Review status: criteria provided, single submitter. Criteria: ACMG Guidelines, 2015. Collection method: clinical testing. Allele origin: unknown.

Athena Diagnostics
Classification: Likely benign. Last evaluated: 2017-04-26. Review status: criteria provided, single submitter. Criteria: Athena Diagnostics Criteria. Collection method: clinical testing. Allele origin: germline.

Center for Pediatric Genomic Medicine, Children's Mercy Hospital and Clinics
Classification: Likely benign. Last evaluated: 2016-06-14. Review status: criteria provided, single submitter. Criteria: ACMG Guidelines, 2015. Collection method: clinical testing. Allele origin: germline.
ClinVar note: Converted during submission from Likely Benign to Likely benign.

Breakthrough Genomics
Classification: Likely benign. Review status: criteria provided, single submitter. Criteria: ACMG Guidelines, 2015. Collection method: not provided. Allele origin: germline. Inheritance: Autosomal recessive inheritance. Affected: yes.

PreventionGenetics, part of Exact Sciences
Classification: Likely benign for CCDC88C-related condition. Last evaluated: 2019-02-24. Review status: no assertion criteria provided. Collection method: clinical testing. Allele origin: germline. Not counted in ClinVar's aggregate classification.
Comment: This variant is classified as likely benign based on ACMG/AMP sequence variant interpretation guidelines (Richards et al. 2015 PMID: 25741868, with internal and published modifications).